The following is an entry in ClinVar:

NM_001211.6(BUB1B):c.436G>A (p.Gly146Arg)

Gene: BUB1B (BUB1 mitotic checkpoint serine/threonine kinase B; plus strand). Cytogenetic location: 15q15.1.
Variant type: single nucleotide variant.
Coding change: c.436G>A on transcript NM_001211.6 (MANE Select); coding-DNA position 436, G replaced by A.
Protein change: p.Gly146Arg; replaces glycine 146 with arginine.
Molecular consequence: missense variant.
Genome position (GRCh38, 1-based): chr15:40,176,528, G>A. VCF-style: chr15-40176528-G-A. GRCh37 (hg19) VCF-style: chr15-40468729-G-A.
Other names: short protein forms G146R.
Identifiers: ClinVar variation 3704728 (VCV003704728.2).
Genomic context (GRCh38, chr15:40,176,528, plus strand): 5'-CTGTTACAGGGGCGTTTATGCAATGAGCCTTTGGATATGTACAGTTACTTGCACAACCAA[G>A]GGATTGGTGTTTCACTTGCTCAGTTCTATATCTCATGGGCAGAAGAATATGAAGCTAGAG-3'
Protein context (NP_001202.5, residues 136-156): LDMYSYLHNQ[Gly146Arg]IGVSLAQFYI

ClinVar aggregate classification (germline): Uncertain significance (1 of 4 stars; one submission).

Conditions:
Mosaic variegated aneuploidy syndrome 1 (MVA1). Also called: Warburton-Anyane-Yeboa syndrome. Identifiers: Orphanet 1052, MedGen C1850343, MONDO:0009759, OMIM 257300.

Submission:

Labcorp Genetics (formerly Invitae), Labcorp
Classification: Uncertain significance for Mosaic variegated aneuploidy syndrome 1. Last evaluated: 2024-04-24. Review status: criteria provided, single submitter. Criteria: Invitae Variant Classification Sherloc (09022015). Collection method: clinical testing. Allele origin: germline.
Comment: This sequence change replaces glycine, which is neutral and non-polar, with arginine, which is basic and polar, at codon 146 of the BUB1B protein (p.Gly146Arg). This variant is not present in population databases (gnomAD no frequency). This variant has not been reported in the literature in individuals affected with BUB1B-related conditions. An algorithm developed to predict the effect of missense changes on protein structure and function (PolyPhen-2) suggests that this variant is likely to be disruptive. In summary, the available evidence is currently insufficient to determine the role of this variant in disease. Therefore, it has been classified as a Variant of Uncertain Significance.